The following is an entry in ClinVar:

ClinVar aggregate classification (germline): Uncertain significance (1 of 4 stars; one submission).

Conditions:
Developmental and epileptic encephalopathy, 31A. Also called: Developmental and epileptic encephalopathy, 31; Epileptic encephalopathy, early infantile, 31. Identifiers: Orphanet 2382, MedGen C4225357, MONDO:0014598, OMIM 616346.

Allele frequency attached by ClinVar (database versions not stated): gnomAD 0.00001; gnomAD exomes 0.00001; TOPMed 0.00002; ESP Exome Variant Server 0.00008.
gnomAD v4.1: 13 of 1,612,620 alleles (0.00081%); highest among the groups gnomAD compares: Non-Finnish European, 0.0011%; no homozygotes.

Submission:

Labcorp Genetics (formerly Invitae), Labcorp
Classification: Uncertain significance for Developmental and epileptic encephalopathy, 31A. Last evaluated: 2025-05-11. Review status: criteria provided, single submitter. Criteria: Invitae Variant Classification Sherloc (09022015). Collection method: clinical testing. Allele origin: germline.
Comment: This sequence change falls in intron 13 of the DNM1 gene. It does not directly change the encoded amino acid sequence of the DNM1 protein. It affects a nucleotide within the consensus splice site. This variant is present in population databases (rs368249222, gnomAD 0.002%). This variant has not been reported in the literature in individuals affected with DNM1-related conditions. ClinVar contains an entry for this variant (Variation ID: 1496835). Variants that disrupt the consensus splice site are a relatively common cause of aberrant splicing (PMID: 17576681, 9536098). Algorithms developed to predict the effect of sequence changes on RNA splicing suggest that this variant is not likely to affect RNA splicing. In summary, the available evidence is currently insufficient to determine the role of this variant in disease. Therefore, it has been classified as a Variant of Uncertain Significance.

Literature cited by the submitters: PubMed 17576681; PubMed 9536098.

NM_004408.4(DNM1):c.1545+6T>C

Gene: DNM1 (dynamin 1; plus strand). Cytogenetic location: 9q34.11.
Variant type: single nucleotide variant.
Coding change: c.1545+6T>C on transcript NM_004408.4 (MANE Select); 6 bases into the intron after coding-DNA position 1545, T replaced by C.
Molecular consequence: intron variant.
Genome position (GRCh38, 1-based): chr9:128,239,785, T>C. VCF-style: chr9-128239785-T-C. GRCh37 (hg19) VCF-style: chr9-131002064-T-C.
Other names: c.1545+6T>C (NM_001005336.3, NM_001374269.1, NM_001288738.2 and 2 more transcripts).
Identifiers: ClinVar variation 1496835 (VCV001496835.6), dbSNP rs368249222, ClinGen allele CA200360034.